The following is an entry in ClinVar:

ClinVar aggregate classification (germline): Uncertain significance (1 of 4 stars; one submission).

Submission:

GeneDx
Classification: Uncertain significance. Last evaluated: 2024-11-19. Review status: criteria provided, single submitter. Criteria: GeneDx Variant Classification Process June 2021. Collection method: clinical testing. Allele origin: germline. Affected: yes.
Comment: Not observed at significant frequency in large population cohorts (gnomAD); In silico analysis supports that this missense variant has a deleterious effect on protein structure/function; Has not been previously published as pathogenic or benign to our knowledge

NM_152906.7(TANGO2):c.581T>A (p.Leu194Gln)

Gene: TANGO2 (transport and golgi organization 2 homolog; plus strand). Cytogenetic location: 22q11.21.
Variant type: single nucleotide variant.
Coding change: c.581T>A on transcript NM_152906.7 (MANE Select); coding-DNA position 581, T replaced by A.
Protein change: p.Leu194Gln; replaces leucine 194 with glutamine.
Molecular consequence: missense variant. On other transcripts: non-coding transcript variant (3), intron variant (4).
Genome position (GRCh38, 1-based): chr22:20,061,659, T>A. VCF-style: chr22-20061659-T-A. GRCh37 (hg19) VCF-style: chr22-20049182-T-A.
Other names: c.581T>A, p.Leu194Gln (NM_001283106.3, NM_001283116.3, NM_001283148.3 and 2 more transcripts); c.704T>A, p.Leu235Gln (NM_001283129.3, NM_001322141.2, NM_001322143.2 and 1 more transcripts); c.395T>A, p.Leu132Gln (NM_001283179.3, NM_001283186.3, NM_001322163.2 and 3 more transcripts); c.287T>A, p.Leu96Gln (NM_001283235.3, NM_001322150.2, NM_001322153.2 and 6 more transcripts); c.518T>A, p.Leu173Gln (NM_001322145.2, NM_001322147.2); c.479T>A, p.Leu160Gln (NM_001322146.2, NM_001322148.2, NM_001322160.2); c.381-1679T>A (NM_001283199.3); c.575-2883T>A (NM_001283215.3); and 2 more; short protein forms L132Q, L160Q, L173Q, L194Q, L235Q, L96Q.
Identifiers: ClinVar variation 3899419 (VCV003899419.1).